The following is an entry in ClinVar:

ClinVar aggregate classification (germline): Uncertain significance (1 of 4 stars; one submission).

Submission:

Labcorp Genetics (formerly Invitae), Labcorp
Classification: Uncertain significance. Last evaluated: 2025-04-02. Review status: criteria provided, single submitter. Criteria: Invitae Variant Classification Sherloc (09022015). Collection method: clinical testing. Allele origin: germline.
Comment: This sequence change replaces cysteine, which is neutral and slightly polar, with phenylalanine, which is neutral and non-polar, at codon 151 of the GUCY2C protein (p.Cys151Phe). This variant is not present in population databases (gnomAD no frequency). This variant has not been reported in the literature in individuals affected with GUCY2C-related conditions. Invitae Evidence Modeling of protein sequence and biophysical properties (such as structural, functional, and spatial information, amino acid conservation, physicochemical variation, residue mobility, and thermodynamic stability) indicates that this missense variant is not expected to disrupt GUCY2C protein function with a negative predictive value of 80%. In summary, the available evidence is currently insufficient to determine the role of this variant in disease. Therefore, it has been classified as a Variant of Uncertain Significance.

NM_004963.4(GUCY2C):c.452G>T (p.Cys151Phe)

Genes: GUCY2C (guanylate cyclase 2C; minus strand), GUCY2C-AS1 (GUCY2C antisense RNA 1; plus strand). Cytogenetic location: 12p12.3.
Variant type: single nucleotide variant.
Coding change: c.452G>T on transcript NM_004963.4 (MANE Select); coding-DNA position 452, G replaced by T.
Protein change: p.Cys151Phe; replaces cysteine 151 with phenylalanine.
Molecular consequence: missense variant.
Genome position (GRCh38, 1-based): chr12:14,683,201, C>A on the plus strand (G>T on the coding strand, the complement: GUCY2C is on the minus strand). VCF-style: chr12-14683201-C-A. GRCh37 (hg19) VCF-style: chr12-14836135-C-A.
Other names: short protein forms C151F.
Identifiers: ClinVar variation 4743995 (VCV004743995.1).